The following is an entry in ClinVar:

NM_000478.6(ALPL):c.916G>T (p.Asp306Tyr)

Gene: ALPL (alkaline phosphatase, biomineralization associated; plus strand). Cytogenetic location: 1p36.12.
Variant type: single nucleotide variant.
Coding change: c.916G>T on transcript NM_000478.6 (MANE Select); coding-DNA position 916, G replaced by T.
Protein change: p.Asp306Tyr; replaces aspartic acid 306 with tyrosine.
Molecular consequence: missense variant.
Genome position (GRCh38, 1-based): chr1:21,573,718, G>T. VCF-style: chr1-21573718-G-T. GRCh37 (hg19) VCF-style: chr1-21900211-G-T.
Other names: c.751G>T, p.Asp251Tyr (NM_001127501.4); c.685G>T, p.Asp229Tyr (NM_001177520.3); c.916G>T, p.Asp306Tyr (NM_001369803.2, NM_001369804.2, NM_001369805.2); short protein forms D251Y, D306Y, D229Y.
Identifiers: ClinVar variation 3687905 (VCV003687905.3).

ClinVar aggregate classification (germline): Likely pathogenic. Review status: criteria provided, multiple submitters, no conflicts (2 of 4 stars). 2 submissions from 2 submitters: Likely pathogenic (2). Last evaluated 2024-07-30.

Conditions:
Childhood hypophosphatasia. Identifiers: Orphanet 247667, Orphanet 436, MedGen C0220743, MONDO:1010168, OMIM 241510, MONDO:0009428.

gnomAD v4.1: 1 of 1,614,020 alleles (0.000062%); highest among the groups gnomAD compares: Non-Finnish European, 0.000085%; no homozygotes.

Submissions (2):

MVZ Praenatalmedizin und Genetik Nuernberg
Classification: Likely pathogenic for Childhood hypophosphatasia. Last evaluated: 2024-07-30. Review status: criteria provided, single submitter. Criteria: ACMG Guidelines, 2015. Collection method: clinical testing. Allele origin: biparental. Affected: yes.
Comment: The missense variant c.916G>T or p.(Asp306Tyr) in exon 9 has so far only been recorded once as heterozygous in the population-based database gnomAD (v4; allele frequency 0.0000619%, 0x homozygous). There are currently no entries for this variant in the ClinVar database. It leads to the replacement of the conserved amino acid aspartic acid with tyrosine (GERP 3.92). In silico predictions indicate a strongly pathogenic effect (CADD 27.40, REVEL 0.84 damaging, alphaMissense 0.94 Likely pathogenic, MetaRNN 0.974, Grantham 160). In addition, an alternative substitution at the same amino acid position (p.(Asp306Val), legacy nomenclature: “D289V”) has been classified as pathogenic in the UniProt database. The corresponding publication describes a homozygous patient with lethal hypophosphatasia (PMID: 10094560; alkaline phosphatase 18 U/L instead of >100). In summary, based on the current data, we assess this change to be a probably pathogenic variant.

Labcorp Genetics (formerly Invitae), Labcorp
Classification: Likely pathogenic. Last evaluated: 2024-05-29. Review status: criteria provided, single submitter. Criteria: Invitae Variant Classification Sherloc (09022015). Collection method: clinical testing. Allele origin: germline.
Comment: This sequence change replaces aspartic acid, which is acidic and polar, with tyrosine, which is neutral and polar, at codon 306 of the ALPL protein (p.Asp306Tyr). This variant is not present in population databases (gnomAD no frequency). This missense change has been observed in individual(s) with clinical features of hypophosphatasia (Invitae). Advanced modeling of protein sequence and biophysical properties (such as structural, functional, and spatial information, amino acid conservation, physicochemical variation, residue mobility, and thermodynamic stability) performed at Invitae indicates that this missense variant is expected to disrupt ALPL protein function with a positive predictive value of 95%. In summary, the currently available evidence indicates that the variant is pathogenic, but additional data are needed to prove that conclusively. Therefore, this variant has been classified as Likely Pathogenic.

Literature cited by the submitters: PubMed 10094560 (cited by MVZ Praenatalmedizin und Genetik Nuernberg).